The following is an entry in ClinVar:

ClinVar aggregate classification (germline): Uncertain significance. Review status: criteria provided, multiple submitters, no conflicts (2 of 4 stars). 2 submissions from 2 submitters: Uncertain significance (2). Last evaluated 2025-01-01.

gnomAD v4.1: 33 of 1,599,296 alleles (0.0021%); highest among the groups gnomAD compares: Non-Finnish European, 0.0028%; no homozygotes.

Submissions (2):

Ambry Genetics
Classification: Uncertain significance. Last evaluated: 2025-01-01. Review status: criteria provided, single submitter. Criteria: Ambry Variant Classification Scheme 2023. Collection method: clinical testing. Allele origin: germline.

Labcorp Genetics (formerly Invitae), Labcorp
Classification: Uncertain significance. Last evaluated: 2024-11-22. Review status: criteria provided, single submitter. Criteria: Invitae Variant Classification Sherloc (09022015). Collection method: clinical testing. Allele origin: germline.
Comment: This sequence change replaces valine, which is neutral and non-polar, with methionine, which is neutral and non-polar, at codon 1420 of the RIMS1 protein (p.Val1420Met). The frequency data for this variant in the population databases is considered unreliable, as metrics indicate poor data quality at this position in the gnomAD database. This variant has not been reported in the literature in individuals affected with RIMS1-related conditions. An algorithm developed to predict the effect of missense changes on protein structure and function (PolyPhen-2) suggests that this variant is likely to be disruptive. In summary, the available evidence is currently insufficient to determine the role of this variant in disease. Therefore, it has been classified as a Variant of Uncertain Significance.

NM_014989.7(RIMS1):c.4258G>A (p.Val1420Met)

Gene: RIMS1 (regulating synaptic membrane exocytosis 1; plus strand). Cytogenetic location: 6q13.
Variant type: single nucleotide variant.
Coding change: c.4258G>A on transcript NM_014989.7 (MANE Select); coding-DNA position 4258, G replaced by A.
Protein change: p.Val1420Met; replaces valine 1420 with methionine.
Molecular consequence: missense variant. On other transcripts: intron variant (24).
Genome position (GRCh38, 1-based): chr6:72,333,727, G>A. VCF-style: chr6-72333727-G-A. GRCh37 (hg19) VCF-style: chr6-73043430-G-A.
Other names: c.2218G>A, p.Val740Met (NM_001168407.2); c.2179G>A, p.Val727Met (NM_001350414.2); c.2275G>A, p.Val759Met (NM_001350415.2); c.2224G>A, p.Val742Met (NM_001350416.2); c.2197G>A, p.Val733Met (NM_001350418.2); c.2332G>A, p.Val778Met (NM_001350420.2); c.2077G>A, p.Val693Met (NM_001350421.2); c.1966G>A, p.Val656Met (NM_001350423.2); and 54 more; short protein forms V1420M, V584M, V609M, V635M, V636M, V637M, V650M, V651M.
Identifiers: ClinVar variation 3611327 (VCV003611327.3).